The following is an entry in ClinVar:

ClinVar aggregate classification (germline): Uncertain significance (1 of 4 stars; one submission).

Allele frequency attached by ClinVar (database versions not stated): ExAC 0.00002; gnomAD exomes 0.00002; gnomAD 0.00003; TOPMed 0.00003.
gnomAD v4.1: 32 of 1,613,846 alleles (0.002%); highest among the groups gnomAD compares: Admixed American, 0.0067%; no homozygotes.

Submission:

Labcorp Genetics (formerly Invitae), Labcorp
Classification: Uncertain significance. Last evaluated: 2022-04-17. Review status: criteria provided, single submitter. Criteria: Invitae Variant Classification Sherloc (09022015). Collection method: clinical testing. Allele origin: germline.
Comment: In summary, the available evidence is currently insufficient to determine the role of this variant in disease. Therefore, it has been classified as a Variant of Uncertain Significance. Algorithms developed to predict the effect of missense changes on protein structure and function (SIFT, PolyPhen-2, Align-GVGD) all suggest that this variant is likely to be disruptive. This variant has not been reported in the literature in individuals affected with TRMT5-related conditions. This variant is present in population databases (rs199782523, gnomAD 0.01%). This sequence change replaces isoleucine, which is neutral and non-polar, with threonine, which is neutral and polar, at codon 206 of the TRMT5 protein (p.Ile206Thr).

NM_020810.3(TRMT5):c.617T>C (p.Ile206Thr)

Gene: TRMT5 (tRNA methyltransferase 5; minus strand). Cytogenetic location: 14q23.1.
Variant type: single nucleotide variant.
Coding change: c.617T>C on transcript NM_020810.3 (MANE Select); coding-DNA position 617, T replaced by C.
Protein change: p.Ile206Thr; replaces isoleucine 206 with threonine.
Molecular consequence: missense variant.
Genome position (GRCh38, 1-based): chr14:60,979,281, A>G on the plus strand (T>C on the coding strand, the complement: TRMT5 is on the minus strand). VCF-style: chr14-60979281-A-G. GRCh37 (hg19) VCF-style: chr14-61445999-A-G.
Other names: c.701T>C, p.Ile234Thr (NM_001350253.1); c.698T>C, p.Ile233Thr (NM_001350254.1); short protein forms I206T, I233T, I234T.
Identifiers: ClinVar variation 1906950 (VCV001906950.5), dbSNP rs199782523, ClinGen allele CA7213892.